The following is an entry in ClinVar:

ClinVar aggregate classification (germline): Likely benign. Review status: criteria provided, multiple submitters, no conflicts (2 of 4 stars). 2 submissions from 2 submitters: Likely benign (2). Last evaluated 2022-12-29.

Conditions:
Familial cancer of breast. Also called: hereditary breast carcinoma; BREAST CANCER, FAMILIAL; Hereditary breast cancer. Identifiers: Orphanet 227535, MedGen C0346153, MONDO:0016419, OMIM 114480. Disease mechanism: loss of function.

Submissions (2):

Labcorp Genetics (formerly Invitae), Labcorp
Classification: Likely benign for Familial cancer of breast. Last evaluated: 2022-12-29. Review status: criteria provided, single submitter. Criteria: Invitae Variant Classification Sherloc (09022015). Collection method: clinical testing. Allele origin: germline.

GeneDx
Classification: Likely benign. Last evaluated: 2017-03-23. Review status: criteria provided, single submitter. Criteria: GeneDx Variant Classification (06012015). Collection method: clinical testing. Allele origin: germline. Affected: yes.
Comment: This variant is considered likely benign or benign based on one or more of the following criteria: it is a conservative change, it occurs at a poorly conserved position in the protein, it is predicted to be benign by multiple in silico algorithms, and/or has population frequency not consistent with disease.

NM_007194.4(CHEK2):c.846+9del

Gene: CHEK2 (checkpoint kinase 2; minus strand). Cytogenetic location: 22q12.1.
Variant type: Deletion.
Coding change: c.846+9del on transcript NM_007194.4 (MANE Select); 9 bases into the intron after coding-DNA position 846, one base deleted (T; older notation c.846+9delT).
Molecular consequence: intron variant.
Genome position (GRCh38, 1-based): chr22:28,709,997, A deleted on the plus strand (T on the coding strand, the reverse complement: CHEK2 is on the minus strand); the first of 2 consecutive A bases (chr22:28,709,997-28,709,998); deleting either gives the same sequence. VCF-style (leftmost placement, unchanged base first): chr22-28709996-TA-T. GRCh37 (hg19) VCF-style: chr22-29105984-TA-T.
Other names: c.846+9delT (NM_007194.3); c.183+9del (NM_001437942.1, NM_001257387.3); c.645+9del (NM_001349956.3); c.846+9del (NM_145862.3); c.939+9del (NM_001438295.1, NM_001438293.1); c.975+9del (NM_001438294.1, NM_001005735.3).
Identifiers: ClinVar variation 508297 (VCV000508297.4), dbSNP rs1555920086, ClinGen allele CA658799519.